The following is an entry in ClinVar:

NM_033380.3(COL4A5):c.394G>A (p.Gly132Arg)

Gene: COL4A5 (collagen type IV alpha 5 chain; plus strand). Cytogenetic location: Xq22.3.
Variant type: single nucleotide variant.
Coding change: c.394G>A on transcript NM_033380.3 (MANE Select); coding-DNA position 394, G replaced by A.
Protein change: p.Gly132Arg; replaces glycine 132 with arginine.
Molecular consequence: missense variant.
Genome position (GRCh38, 1-based): chrX:108,571,422, G>A. VCF-style: chrX-108571422-G-A. GRCh37 (hg19) VCF-style: chrX-107814652-G-A.
Other names: c.394G>A, p.Gly132Arg (NM_000495.5); short protein forms G132R.
Identifiers: ClinVar variation 1346943 (VCV001346943.8), dbSNP rs2147753780, ClinGen allele CA413919783.

ClinVar aggregate classification (germline): Likely pathogenic (1 of 4 stars; one submission).

Submission:

Labcorp Genetics (formerly Invitae), Labcorp
Classification: Likely pathogenic. Last evaluated: 2021-08-04. Review status: criteria provided, single submitter. Criteria: Invitae Variant Classification Sherloc (09022015). Collection method: clinical testing. Allele origin: germline.
Comment: This sequence change replaces glycine with arginine at codon 132 of the COL4A5 protein (p.Gly132Arg). The glycine residue is highly conserved and there is a moderate physicochemical difference between glycine and arginine. This variant is not present in population databases (ExAC no frequency). This variant has been observed in individual(s) with clinical features of Alport syndrome (Invitae). Advanced modeling of protein sequence and biophysical properties (such as structural, functional, and spatial information, amino acid conservation, physicochemical variation, residue mobility, and thermodynamic stability) performed at Invitae indicates that this missense variant is expected to disrupt COL4A5 protein function. This variant disrupts the p.Gly132 amino acid residue in COL4A5. Other variant(s) that disrupt this residue have been observed in individuals with COL4A5-related conditions (PMID: 30577881; Invitae), which suggests that this may be a clinically significant amino acid residue. In summary, the currently available evidence indicates that the variant is pathogenic, but additional data are needed to prove that conclusively. Therefore, this variant has been classified as Likely Pathogenic. This variant disrupts the triple helix domain of COL4A5. Glycine residues within the Gly-Xaa-Yaa repeats of the triple helix domain are required for the structure and stability of fibrillar collagens (PMID: 7695699, 8218237, 19344236). In COL4A5, missense variants at these glycine residues are significantly enriched in individuals with disease (PMID: 23720012, 27627812) compared to the general population (ExAC).

Literature cited by the submitters: PubMed 30577881; PubMed 7695699; PubMed 8218237; PubMed 19344236; PubMed 23720012; PubMed 27627812.